The following is an entry in ClinVar:

NC_000020.10:g.(?_6758872)_(6760201_?)del

Gene: BMP2 (bone morphogenetic protein 2; plus strand). Cytogenetic location: 20p12.3.
Variant type: Deletion.
Identifiers: ClinVar variation 3248324 (VCV003248324.1).

ClinVar aggregate classification (germline): Pathogenic (1 of 4 stars; one submission).

Submission:

Labcorp Genetics (formerly Invitae), Labcorp
Classification: Pathogenic. Last evaluated: 2023-12-13. Review status: criteria provided, single submitter. Criteria: Invitae Variant Classification Sherloc (09022015). Collection method: clinical testing. Allele origin: unknown.
Comment: This variant is a gross deletion of the genomic region encompassing exon(s) 3 of the BMP2 gene, which includes the termination codon. This deletion extends beyond the assayed region for this gene and therefore may encompass additional genes. While this deletion is not anticipated to lead to nonsense mediated decay, it is expected to alter mRNA translation or result in a truncated protein product. This variant has not been reported in the literature in individuals affected with BMP2-related conditions. This variant disrupts a region of the BMP2 protein in which other variant(s) (p.Glu280Lysfs*13) have been determined to be pathogenic (Invitae). This suggests that this is a clinically significant region of the protein, and that variants that disrupt it are likely to be disease-causing. For these reasons, this variant has been classified as Pathogenic.